The following is an entry in ClinVar:

NM_001267550.2(TTN):c.63845C>G (p.Ser21282Ter)

Genes: TTN-AS1 (TTN antisense RNA 1; plus strand), TTN (titin; minus strand). Cytogenetic location: 2q31.2.
Variant type: single nucleotide variant.
Coding change: c.63845C>G on transcript NM_001267550.2 (MANE Select); coding-DNA position 63845, C replaced by G.
Protein change: p.Ser21282Ter; replaces serine 21282 with a stop codon.
Molecular consequence: nonsense.
Genome position (GRCh38, 1-based): chr2:178,587,366, G>C on the plus strand (C>G on the coding strand, the complement: TTN is on the minus strand). VCF-style: chr2-178587366-G-C. GRCh37 (hg19) VCF-style: chr2-179452093-G-C.
Other names: c.58922C>G, p.Ser19641Ter (NM_001256850.1); c.36650C>G, p.Ser12217Ter (NM_003319.4); c.56141C>G, p.Ser18714Ter (NM_133378.4); c.37025C>G, p.Ser12342Ter (NM_133432.3); c.37226C>G, p.Ser12409Ter (NM_133437.4); short protein forms S18714*, S12342*, S12409*, S19641*, S12217*, S21282*.
Identifiers: ClinVar variation 2952311 (VCV002952311.3), dbSNP rs2469287097, ClinGen allele CA349448650.

ClinVar aggregate classification (germline): Likely pathogenic (1 of 4 stars; one submission).

Conditions:
Dilated cardiomyopathy 1G (CMD1G). Identifiers: Orphanet 154, MedGen C1858763, MONDO:0011400, OMIM 604145.
Autosomal recessive limb-girdle muscular dystrophy type 2J (LGMDR10). Also called: Limb-girdle muscular dystrophy, type 2J; MUSCULAR DYSTROPHY, LIMB-GIRDLE, AUTOSOMAL RECESSIVE 10. Identifiers: Orphanet 140922, MedGen C1837342, MONDO:0012127, OMIM 608807.

Submission:

Labcorp Genetics (formerly Invitae), Labcorp
Classification: Likely pathogenic for Dilated cardiomyopathy 1G; Autosomal recessive limb-girdle muscular dystrophy type 2J. Last evaluated: 2023-11-14. Review status: criteria provided, single submitter. Criteria: Invitae Variant Classification Sherloc (09022015). Collection method: clinical testing. Allele origin: germline.
Comment: This sequence change creates a premature translational stop signal (p.Ser21282*) in the TTN gene. While this is not anticipated to result in nonsense mediated decay, it is expected to create a truncated TTN protein. This variant is not present in population databases (gnomAD no frequency). This variant has not been reported in the literature in individuals affected with TTN-related conditions. This variant is located in the A band of TTN (PMID: 25589632). Truncating variants in this region are significantly overrepresented in patients affected with dilated cardiomyopathy (PMID: 25589632). Truncating variants in this region have also been reported in individuals affected with autosomal recessive centronuclear myopathy (PMID: 23975875). In summary, the currently available evidence indicates that the variant is pathogenic, but additional data are needed to prove that conclusively. Therefore, this variant has been classified as Likely Pathogenic.

Literature cited by the submitters: PubMed 25589632; PubMed 23975875.